The following is an entry in ClinVar:

ClinVar aggregate classification (germline): Uncertain significance (1 of 4 stars; one submission).

gnomAD v4.1: 2 of 1,584,878 alleles (0.00013%); highest among the groups gnomAD compares: Non-Finnish European, 0.00017%; no homozygotes.

Submission:

Labcorp Genetics (formerly Invitae), Labcorp
Classification: Uncertain significance. Last evaluated: 2022-08-19. Review status: criteria provided, single submitter. Criteria: Invitae Variant Classification Sherloc (09022015). Collection method: clinical testing. Allele origin: germline.
Comment: This sequence change replaces threonine, which is neutral and polar, with arginine, which is basic and polar, at codon 183 of the CFD protein (p.Thr183Arg). This variant is not present in population databases (gnomAD no frequency). In summary, the available evidence is currently insufficient to determine the role of this variant in disease. Therefore, it has been classified as a Variant of Uncertain Significance. Algorithms developed to predict the effect of missense changes on protein structure and function output the following: SIFT: "Not Available"; PolyPhen-2: "Benign"; Align-GVGD: "Not Available". The arginine amino acid residue is found in multiple mammalian species, which suggests that this missense change does not adversely affect protein function. ClinVar contains an entry for this variant (Variation ID: 1379889). This variant has not been reported in the literature in individuals affected with CFD-related conditions.

NM_001928.4(CFD):c.548C>G (p.Thr183Arg)

Gene: CFD (complement factor D; plus strand). Cytogenetic location: 19p13.3.
Variant type: single nucleotide variant.
Coding change: c.548C>G on transcript NM_001928.4 (MANE Select); coding-DNA position 548, C replaced by G.
Protein change: p.Thr183Arg; replaces threonine 183 with arginine.
Molecular consequence: missense variant.
Genome position (GRCh38, 1-based): chr19:861,889, C>G. VCF-style: chr19-861889-C-G. GRCh37 (hg19) VCF-style: chr19-861889-C-G.
Other names: c.569C>G, p.Thr190Arg (NM_001317335.2); short protein forms T183R, T190R.
Identifiers: ClinVar variation 1379889 (VCV001379889.8), dbSNP rs757020824, ClinGen allele CA402922961.